The following is an entry in ClinVar:

ClinVar aggregate classification (germline): Uncertain significance (1 of 4 stars; one submission).

Conditions:
Myopathy, proximal, and ophthalmoplegia (CMYO6). Also called: CONGENITAL MYOPATHY 6 WITH OPHTHALMOPLEGIA; MYOPATHY WITH CONGENITAL JOINT CONTRACTURES, OPHTHALMOPLEGIA, AND RIMMED VACUOLES; INCLUSION BODY MYOPATHY 3, AUTOSOMAL DOMINANT. Identifiers: Orphanet 363677, Orphanet 79091, MedGen C1854106, MONDO:0011577, OMIM 605637.

Submission:

Labcorp Genetics (formerly Invitae), Labcorp
Classification: Uncertain significance for Myopathy, proximal, and ophthalmoplegia. Last evaluated: 2024-08-10. Review status: criteria provided, single submitter. Criteria: Invitae Variant Classification Sherloc (09022015). Collection method: clinical testing. Allele origin: germline.
Comment: This sequence change falls in intron 36 of the MYH2 gene. It does not directly change the encoded amino acid sequence of the MYH2 protein. This variant is not present in population databases (gnomAD no frequency). This variant has not been reported in the literature in individuals affected with MYH2-related conditions. Algorithms developed to predict the effect of sequence changes on RNA splicing suggest that this variant may create or strengthen a splice site. In summary, the available evidence is currently insufficient to determine the role of this variant in disease. Therefore, it has been classified as a Variant of Uncertain Significance.

NM_017534.6(MYH2):c.5301+9C>T

Genes: MYHAS (myosin heavy chain gene cluster antisense RNA; plus strand), MYH2 (myosin heavy chain 2; minus strand). Cytogenetic location: 17p13.1.
Variant type: single nucleotide variant.
Coding change: c.5301+9C>T on transcript NM_017534.6 (MANE Select); 9 bases into the intron after coding-DNA position 5301, C replaced by T.
Molecular consequence: intron variant.
Genome position (GRCh38, 1-based): chr17:10,523,750, G>A on the plus strand (C>T on the coding strand, the complement: MYH2 is on the minus strand). VCF-style: chr17-10523750-G-A. GRCh37 (hg19) VCF-style: chr17-10427067-G-A.
Other names: c.5301+9C>T (NM_001100112.2).
Identifiers: ClinVar variation 3691709 (VCV003691709.2).